The following is an entry in ClinVar:

ClinVar aggregate classification (germline): Likely benign (0 of 4 stars; one submission).

Conditions:
ARMC5-related disorder. Also called: ARMC5-related condition.

Allele frequency attached by ClinVar (database versions not stated): gnomAD exomes 0.00002; TOPMed 0.00002; ExAC 0.00003; gnomAD 0.00003; 1000 Genomes Project 30x 0.00016; 1000 Genomes Project 0.00020.
gnomAD v4.1: 28 of 1,612,634 alleles (0.0017%); highest among the groups gnomAD compares: African/African-American, 0.0093%; no homozygotes.

Submission:

PreventionGenetics, part of Exact Sciences
Classification: Likely benign for ARMC5-related condition. Last evaluated: 2022-05-20. Review status: no assertion criteria provided. Collection method: clinical testing. Allele origin: germline.
Comment: This variant is classified as likely benign based on ACMG/AMP sequence variant interpretation guidelines (Richards et al. 2015 PMID: 25741868, with internal and published modifications).

NM_001105247.2(ARMC5):c.2307C>T (p.Thr769=)

Gene: ARMC5 (armadillo repeat containing 5; plus strand). Cytogenetic location: 16p11.2.
Variant type: single nucleotide variant.
Coding change: c.2307C>T on transcript NM_001105247.2 (MANE Select); coding-DNA position 2307, C replaced by T.
Protein change: p.Thr769=; no amino-acid change (threonine 769 retained).
Molecular consequence: synonymous variant. On other transcripts: 3 prime UTR variant (1).
Genome position (GRCh38, 1-based): chr16:31,466,388, C>T. VCF-style: chr16-31466388-C-T. GRCh37 (hg19) VCF-style: chr16-31477709-C-T.
Other names: c.2592C>T, p.Thr864= (NM_001288767.2); c.2403C>T, p.Thr801= (NM_001301820.1); c.*1187C>T (NM_024742.2).
Identifiers: ClinVar variation 3032372 (VCV003032372.2), dbSNP rs565794858, ClinGen allele CA8030012.